The following is an entry in ClinVar:

NM_000222.3(KIT):c.586C>A (p.Leu196Met)

Gene: KIT (KIT proto-oncogene, receptor tyrosine kinase; plus strand). Cytogenetic location: 4q12.
Variant type: single nucleotide variant.
Coding change: c.586C>A on transcript NM_000222.3 (MANE Select); coding-DNA position 586, C replaced by A.
Protein change: p.Leu196Met; replaces leucine 196 with methionine.
Molecular consequence: missense variant.
Genome position (GRCh38, 1-based): chr4:54,698,532, C>A. VCF-style: chr4-54698532-C-A. GRCh37 (hg19) VCF-style: chr4-55564698-C-A.
Other names: c.586C>A, p.Leu196Met (NM_001093772.2, NM_001385284.1, NM_001385285.1 and 4 more transcripts); short protein forms L196M.
Identifiers: ClinVar variation 3008684 (VCV003008684.3), dbSNP rs768971014, ClinGen allele CA2923265.

ClinVar aggregate classification (germline): Uncertain significance (1 of 4 stars; one submission).

Conditions:
Gastrointestinal stromal tumor. Also called: Gastrointestinal stromal tumor, somatic; Gastrointestinal stroma tumor. Identifiers: Orphanet 44890, MedGen C0238198, MeSH D046152, MONDO:0011719, OMIM 606764, HP:0100723.

Allele frequency attached by ClinVar (database versions not stated): ExAC 0.00001; gnomAD 0.00001; gnomAD exomes 0.00001.
gnomAD v4.1: 8 of 1,614,062 alleles (0.0005%); highest among the groups gnomAD compares: South Asian, 0.0077%; no homozygotes.

Submission:

Labcorp Genetics (formerly Invitae), Labcorp
Classification: Uncertain significance for Gastrointestinal stromal tumor. Last evaluated: 2023-02-04. Review status: criteria provided, single submitter. Criteria: Invitae Variant Classification Sherloc (09022015). Collection method: clinical testing. Allele origin: germline.
Comment: This variant is present in population databases (rs768971014, gnomAD 0.006%). This sequence change replaces leucine, which is neutral and non-polar, with methionine, which is neutral and non-polar, at codon 196 of the KIT protein (p.Leu196Met). This variant has not been reported in the literature in individuals affected with KIT-related conditions. Algorithms developed to predict the effect of missense changes on protein structure and function (SIFT, PolyPhen-2, Align-GVGD) all suggest that this variant is likely to be tolerated. In summary, the available evidence is currently insufficient to determine the role of this variant in disease. Therefore, it has been classified as a Variant of Uncertain Significance.